The following is an entry in ClinVar:

ClinVar aggregate classification (germline): Uncertain significance (1 of 4 stars; one submission).

Conditions:
Infantile-onset X-linked spinal muscular atrophy. Also called: AMC, DISTAL, X-LINKED; ARTHROGRYPOSIS, X-LINKED, TYPE I; SPINAL MUSCULAR ATROPHY, X-LINKED LETHAL INFANTILE; Spinal Muscular Atrophy, X-Linked Infantile; Spinal muscular atrophy, X-linked 2. Identifiers: Orphanet 1145, MedGen C1844934, MONDO:0010532, OMIM 301830.

Allele frequency attached by ClinVar (database versions not stated): TOPMed 0.00002; gnomAD 0.00001; gnomAD exomes 0.00001.
gnomAD v4.1: 6 of 1,207,204 alleles (0.0005%); highest among the groups gnomAD compares: Non-Finnish European, 0.00067%; no homozygotes.

Submission:

Labcorp Genetics (formerly Invitae), Labcorp
Classification: Uncertain significance for Infantile-onset X-linked spinal muscular atrophy. Last evaluated: 2022-03-26. Review status: criteria provided, single submitter. Criteria: Invitae Variant Classification Sherloc (09022015). Collection method: clinical testing. Allele origin: germline.
Comment: In summary, the available evidence is currently insufficient to determine the role of this variant in disease. Therefore, it has been classified as a Variant of Uncertain Significance. Algorithms developed to predict the effect of missense changes on protein structure and function output the following: SIFT: "Tolerated"; PolyPhen-2: "Benign"; Align-GVGD: "Class C0". The valine amino acid residue is found in multiple mammalian species, which suggests that this missense change does not adversely affect protein function. This variant has not been reported in the literature in individuals affected with UBA1-related conditions. This variant is present in population databases (no rsID available, gnomAD 0.004%). This sequence change replaces isoleucine, which is neutral and non-polar, with valine, which is neutral and non-polar, at codon 331 of the UBA1 protein (p.Ile331Val).

NM_003334.4(UBA1):c.991A>G (p.Ile331Val)

Gene: UBA1 (ubiquitin like modifier activating enzyme 1; plus strand). Cytogenetic location: Xp11.3.
Variant type: single nucleotide variant.
Coding change: c.991A>G on transcript NM_003334.4 (MANE Select); coding-DNA position 991, A replaced by G.
Protein change: p.Ile331Val; replaces isoleucine 331 with valine.
Molecular consequence: missense variant.
Genome position (GRCh38, 1-based): chrX:47,202,439, A>G. VCF-style: chrX-47202439-A-G. GRCh37 (hg19) VCF-style: chrX-47061838-A-G.
Other names: c.991A>G, p.Ile331Val (NM_153280.3); short protein forms I331V.
Identifiers: ClinVar variation 2416389 (VCV002416389.6), dbSNP rs1289141866, ClinGen allele CA412795324.